The following is an entry in ClinVar:

ClinVar aggregate classification (germline): Uncertain significance (1 of 4 stars; one submission).

Submission:

Labcorp Genetics (formerly Invitae), Labcorp
Classification: Uncertain significance. Last evaluated: 2021-03-08. Review status: criteria provided, single submitter. Criteria: Invitae Variant Classification Sherloc (09022015). Collection method: clinical testing. Allele origin: germline.
Comment: This variant is a gross deletion of the genomic region encompassing exon(s) 12 of the DEAF1 gene. The 5' boundary is likely confined to intron 11. The 3' end of this event is unknown as it extends through the termination codon beyond the assayed region for this gene and may encompass additional genes. While this deletion is not anticipated to lead to nonsense mediated decay, it is expected to alter mRNA translation or result in a truncated protein product. Experimental studies and prediction algorithms are not available or were not evaluated, and the functional significance of this variant is currently unknown. In summary, the available evidence is currently insufficient to determine the role of this variant in disease. Therefore, it has been classified as a Variant of Uncertain Significance. This variant disrupts the C-terminus of the DEAF1 protein. Other variant(s) that disrupt this region (p.Cys540Metfs*18 ) have been observed in individuals with DEAF1-related conditions (PMID: 30923367). This suggests that this may be a clinically significant region of the protein. This variant has not been reported in the literature in individuals with DEAF1-related conditions.

Literature cited by the submitters: PubMed 30923367.

NC_000011.9:g.(?_612645)_(644674_?)del

Genes: CDHR5 (cadherin related family member 5; minus strand), DEAF1 (DEAF1 transcription factor; minus strand), DRD4 (dopamine receptor D4; plus strand), IRF7 (interferon regulatory factor 7; minus strand), SCT (secretin; minus strand). Cytogenetic location: 11p15.5.
Variant type: Deletion.
Identifiers: ClinVar variation 1434025 (VCV001434025.6).